The following is an entry in ClinVar:

NM_025207.5(FLAD1):c.931G>C (p.Gly311Arg)

Gene: FLAD1 (flavin adenine dinucleotide synthetase 1; plus strand). Cytogenetic location: 1q21.3.
Variant type: single nucleotide variant.
Coding change: c.931G>C on transcript NM_025207.5 (MANE Select); coding-DNA position 931, G replaced by C.
Protein change: p.Gly311Arg; replaces glycine 311 with arginine.
Molecular consequence: missense variant.
Genome position (GRCh38, 1-based): chr1:154,988,663, G>C. VCF-style: chr1-154988663-G-C. GRCh37 (hg19) VCF-style: chr1-154961139-G-C.
Other names: c.640G>C, p.Gly214Arg (NM_001184891.2, NM_201398.3); c.634G>C, p.Gly212Arg (NM_001184892.2); short protein forms G212R, G311R, G214R.
Identifiers: ClinVar variation 1386550 (VCV001386550.7), dbSNP rs764740796, ClinGen allele CA1134433.
Genomic context (GRCh38, chr1:154,988,663, plus strand): 5'-GCCTCCATCGCCCCCATTCTGGCTGAGGCCCAGGCCCACTTTGGACGTAGGCTTGGCCTG[G>C]GTTCCTACCCTGACTGGGGCAGCAACTACTATCAGGTGAAGCTGACTCTAGACTCAGAGG-3'
Protein context (NP_079483.3, residues 301-321): QAHFGRRLGL[Gly311Arg]SYPDWGSNYY

ClinVar aggregate classification (germline): Uncertain significance (1 of 4 stars; one submission).

Allele frequency attached by ClinVar (database versions not stated): gnomAD exomes below 0.00001; TOPMed below 0.00001; ExAC 0.00001.

Submission:

Labcorp Genetics (formerly Invitae), Labcorp
Classification: Uncertain significance. Last evaluated: 2022-01-27. Review status: criteria provided, single submitter. Criteria: Invitae Variant Classification Sherloc (09022015). Collection method: clinical testing. Allele origin: germline.
Comment: This sequence change replaces glycine, which is neutral and non-polar, with arginine, which is basic and polar, at codon 311 of the FLAD1 protein (p.Gly311Arg). This variant is present in population databases (rs764740796, gnomAD 0.0009%). This variant has not been reported in the literature in individuals affected with FLAD1-related conditions. Algorithms developed to predict the effect of missense changes on protein structure and function are either unavailable or do not agree on the potential impact of this missense change (SIFT: "Deleterious"; PolyPhen-2: "Probably Damaging"; Align-GVGD: "Class C0"). In summary, the available evidence is currently insufficient to determine the role of this variant in disease. Therefore, it has been classified as a Variant of Uncertain Significance.